The following is an entry in ClinVar:

ClinVar aggregate classification (germline): Uncertain significance (1 of 4 stars; one submission).

Submission:

Women's Health and Genetics/Laboratory Corporation of America, LabCorp
Classification: Uncertain significance. Last evaluated: 2025-12-26. Review status: criteria provided, single submitter. Criteria: LabCorp Variant Classification Summary - May 2015. Collection method: clinical testing. Allele origin: germline.
Comment: Variant summary: KCNQ3 c.-14C>T is located in the untranslated mRNA region upstream of the initiation codon. The frequency data for this variant in gnomAD is considered unreliable, as metrics indicate poor data quality at this position. To our knowledge, no occurrence of c.-14C>T in individuals affected with KCNQ3-related conditions and no experimental evidence demonstrating its impact on protein function have been reported. No submitters have cited clinical-significance assessments for this variant to ClinVar. Based on the evidence outlined above, the variant was classified as uncertain significance.

NM_004519.4(KCNQ3):c.-14C>T

Gene: KCNQ3 (potassium voltage-gated channel subfamily Q member 3; minus strand). Cytogenetic location: 8q24.22.
Variant type: single nucleotide variant.
Coding change: c.-14C>T on transcript NM_004519.4 (MANE Select); 14 bases upstream of the start codon, C replaced by T.
Molecular consequence: 5 prime UTR variant.
Genome position (GRCh38, 1-based): chr8:132,480,546, G>A on the plus strand (C>T on the coding strand, the complement: KCNQ3 is on the minus strand). VCF-style: chr8-132480546-G-A. GRCh37 (hg19) VCF-style: chr8-133492793-G-A.
Identifiers: ClinVar variation 4688794 (VCV004688794.1).